The following is an entry in ClinVar:

NM_001814.6(CTSC):c.318+4_318+7del

Gene: CTSC (cathepsin C; minus strand). Cytogenetic location: 11q14.2.
Variant type: Deletion.
Coding change: c.318+4_318+7del on transcript NM_001814.6 (MANE Select); bases 4 to 7 of the intron after coding-DNA position 318, 4 bases deleted (AGTT; older notation c.318+4_318+7delAGTT).
Molecular consequence: splice donor variant.
Genome position (GRCh38, 1-based): chr11:88,334,930-88,334,933, AACT deleted on the plus strand (AGTT on the coding strand, the reverse complement: CTSC is on the minus strand); deleting any 4 consecutive bases within chr11:88,334,930-88,334,936 gives the same sequence; the c. name uses the placement nearest the transcript's 3' end. VCF-style (leftmost placement, unchanged base first): chr11-88334929-AAACT-A. GRCh37 (hg19) VCF-style: chr11-88068097-AAACT-A.
Other names: c.318+4_318+7del (NM_001114173.3, NM_148170.5).
Identifiers: ClinVar variation 1019816 (VCV001019816.4), dbSNP rs1182098364, ClinGen allele CA600767577.

ClinVar aggregate classification (germline): Uncertain significance (1 of 4 stars; one submission).

Conditions:
Haim-Munk syndrome (HMS). Also called: COCHIN JEWISH DISORDER; KERATOSIS PALMOPLANTARIS WITH PERIODONTOPATHIA AND ONYCHOGRYPOSIS. Identifiers: Orphanet 2342, MedGen C1855627, MONDO:0009491, OMIM 245010.
Periodontitis, aggressive. Identifiers: MedGen C0031106, MONDO:0980757.
Papillon-Lefèvre syndrome (PALS). Also called: Papillon-Lefevre Disease; KERATOSIS PALMOPLANTARIS WITH PERIODONTOPATHIA. Identifiers: Orphanet 678, MedGen C0030360, MONDO:0009490, OMIM 245000.

Submission:

Labcorp Genetics (formerly Invitae), Labcorp
Classification: Uncertain significance for Haim-Munk syndrome; Periodontitis, aggressive; Papillon-Lefèvre syndrome. Last evaluated: 2020-07-09. Review status: criteria provided, single submitter. Criteria: Invitae Variant Classification Sherloc (09022015). Collection method: clinical testing. Allele origin: germline.
Comment: This sequence change falls in intron 2 of the CTSC gene. It does not directly change the encoded amino acid sequence of the CTSC protein, but it affects a nucleotide within the consensus splice site of the intron. This variant is not present in population databases (ExAC no frequency). This variant has not been reported in the literature in individuals with CTSC-related conditions. Nucleotide substitutions within the consensus splice site are a relatively common cause of aberrant splicing (PMID: 17576681, 9536098). Algorithms developed to predict the effect of sequence changes on RNA splicing suggest that this variant may disrupt the consensus splice site, but this prediction has not been confirmed by published transcriptional studies. In summary, the available evidence is currently insufficient to determine the role of this variant in disease. Therefore, it has been classified as a Variant of Uncertain Significance.

Literature cited by the submitters: PubMed 17576681; PubMed 9536098.